The following is an entry in ClinVar:

NM_020778.5(ALPK3):c.2336T>C (p.Val779Ala)

Gene: ALPK3 (alpha kinase 3; plus strand). Cytogenetic location: 15q25.3.
Variant type: single nucleotide variant.
Coding change: c.2336T>C on transcript NM_020778.5 (MANE Select); coding-DNA position 2336, T replaced by C.
Protein change: p.Val779Ala; replaces valine 779 with alanine.
Molecular consequence: missense variant.
Genome position (GRCh38, 1-based): chr15:84,857,074, T>C. VCF-style: chr15-84857074-T-C. GRCh37 (hg19) VCF-style: chr15-85400305-T-C.
Other names: c.2942T>C (NM_020778.4); short protein forms V779A.
Identifiers: ClinVar variation 1926492 (VCV001926492.6), dbSNP rs1180127487, ClinGen allele CA393356797.
Genomic context (GRCh38, chr15:84,857,074, plus strand): 5'-CCCCAGAAGGGTCTTGTTTCCCAAAAAAACCTGGTTGCCTGCCCAGATCTGAGGAGGCAG[T>C]AGTAACAGCCTCCAGGAACCATGAGCAAACTGTGCTGGGTCCCCTGTCAGGGAACCTCAT-3'
Protein context (NP_065829.4, residues 769-789): PGCLPRSEEA[Val779Ala]VTASRNHEQT

ClinVar aggregate classification (germline): Conflicting classifications of pathogenicity. Review status: criteria provided, conflicting classifications (1 of 4 stars). 2 submissions from 2 submitters: Uncertain significance (1); Likely benign (1). Last evaluated 2025-06-14.

Conditions:
Cardiovascular phenotype. Identifiers: MedGen CN230736.

Allele frequency attached by ClinVar (database versions not stated): gnomAD exomes below 0.00001; TOPMed 0.00001.
gnomAD v4.1: 3 of 1,613,992 alleles (0.00019%); highest among the groups gnomAD compares: Admixed American, 0.0017%; no homozygotes.

Submissions (2):

Labcorp Genetics (formerly Invitae), Labcorp
Classification: Uncertain significance. Last evaluated: 2025-06-14. Review status: criteria provided, single submitter. Criteria: Invitae Variant Classification Sherloc (09022015). Collection method: clinical testing. Allele origin: germline.
Comment: This sequence change replaces valine, which is neutral and non-polar, with alanine, which is neutral and non-polar, at codon 981 of the ALPK3 protein (p.Val981Ala). This variant is present in population databases (no rsID available, gnomAD 0.003%). This variant has not been reported in the literature in individuals affected with ALPK3-related conditions. ClinVar contains an entry for this variant (Variation ID: 1926492). Invitae Evidence Modeling of protein sequence and biophysical properties (such as structural, functional, and spatial information, amino acid conservation, physicochemical variation, residue mobility, and thermodynamic stability) indicates that this missense variant is not expected to disrupt ALPK3 protein function with a negative predictive value of 80%. In summary, the available evidence is currently insufficient to determine the role of this variant in disease. Therefore, it has been classified as a Variant of Uncertain Significance.

Ambry Genetics
Classification: Likely benign for Cardiovascular phenotype. Last evaluated: 2024-03-20. Review status: criteria provided, single submitter. Criteria: Ambry Variant Classification Scheme 2023. Collection method: clinical testing. Allele origin: germline.